The following is an entry in ClinVar:

NM_183050.4(BCKDHB):c.187_196+19del

Gene: BCKDHB (branched chain keto acid dehydrogenase E1 subunit beta; plus strand). Cytogenetic location: 6q14.1.
Variant type: Deletion.
Coding change: c.187_196+19del on transcript NM_183050.4 (MANE Select); coding-DNA position 187 through 19 bases into the intron after coding-DNA position 196, 29 bases deleted (CGGGAGTACGGTGAGCCCTGGGACTGCCC).
Molecular consequence: splice donor variant. On other transcripts: intron variant (2).
Genome position (GRCh38, 1-based): chr6:80,106,880-80,106,908, CGGGAGTACGGTGAGCCCTGGGACTGCCC deleted; deleting any 29 consecutive bases within chr6:80,106,876-80,106,908 gives the same sequence; the c. name uses the placement nearest the transcript's 3' end. VCF-style (leftmost placement, unchanged base first): chr6-80106875-AGCCCCGGGAGTACGGTGAGCCCTGGGACT-A. GRCh37 (hg19) VCF-style: chr6-80816592-AGCCCCGGGAGTACGGTGAGCCCTGGGACT-A.
Other names: c.187_196+19del (NM_001424039.1, NM_000056.5, NM_001424040.1 and 8 more transcripts); c.-15+37_-15+65del (NM_001424043.1); c.-15+197_-15+225del (NM_001318975.1).
Identifiers: ClinVar variation 4281591 (VCV004281591.8).

ClinVar aggregate classification (germline): Pathogenic/Likely pathogenic. Review status: criteria provided, multiple submitters, no conflicts (2 of 4 stars). 2 submissions from 2 submitters: Pathogenic (1); Likely pathogenic (1). Last evaluated 2026-01-22.

Conditions:
Maple syrup urine disease type 1B (MSUD1B). Also called: MSUD type IB; MSUD type 3 (formerly); MSUD due to deficiency of e1-beta subunit of branched-chain alpha-keto acid dehydrogenase complex. Identifiers: MedGen C2930990, MONDO:0023692, OMIM 620698.

Submissions (2):

Myriad Genetics, Inc.
Classification: Likely pathogenic for Maple syrup urine disease type 1B. Last evaluated: 2026-01-22. Review status: criteria provided, single submitter. Criteria: Myriad Autosomal Dominant, Autosomal Recessive and X-Linked Classification Criteria (2023). Collection method: clinical testing. Allele origin: unknown.
Comment: NM_183050.2(BCKDHB):c.187_196+19del29 is a variant in a canonical splice site classified as likely pathogenic in the context of maple syrup urine disease type Ib. c.187_196+19del29 has not been observed in cases with relevant disease. Relevant functional assessments of this variant are not available in the literature. c.187_196+19del29 has not been observed in referenced population frequency databases. In summary, NM_183050.2(BCKDHB):c.187_196+19del29 is a variant in a canonical splice site in a gene where loss of function is a known mechanism of disease and is predicted to disrupt protein function. Please note: this variant was assessed in the context of healthy population screening.

CeGaT Center for Human Genetics Tuebingen
Classification: Pathogenic. Last evaluated: 2025-09-01. Review status: criteria provided, single submitter. Criteria: CeGaT Center For Human Genetics Tuebingen Variant Classification Criteria Version 2. Collection method: clinical testing. Allele origin: germline. Affected: yes. Observed: 1 variant allele.
Comment: BCKDHB: PVS1, PM2, PM3, PP4